The following is an entry in ClinVar:

NM_001023570.4(IQCB1):c.96A>G (p.Leu32=)

Gene: IQCB1 (IQ motif containing B1; minus strand). Cytogenetic location: 3q13.33.
Variant type: single nucleotide variant.
Coding change: c.96A>G on transcript NM_001023570.4 (MANE Select); coding-DNA position 96, A replaced by G.
Protein change: p.Leu32=; no amino-acid change (leucine 32 retained).
Molecular consequence: synonymous variant. On other transcripts: non-coding transcript variant (1).
Genome position (GRCh38, 1-based): chr3:121,828,865, T>C on the plus strand (A>G on the coding strand, the complement: IQCB1 is on the minus strand). VCF-style: chr3-121828865-T-C. GRCh37 (hg19) VCF-style: chr3-121547712-T-C.
Other names: c.96A>G, p.Leu32= (NM_001023571.4, NM_001319107.2); c.96A>G (NM_001023570.3).
Identifiers: ClinVar variation 2128995 (VCV002128995.5), dbSNP rs2472529433, ClinGen allele CA435248832.

ClinVar aggregate classification (germline): Likely benign. Review status: criteria provided, multiple submitters, no conflicts (2 of 4 stars). 2 submissions from 2 submitters: Likely benign (2). Last evaluated 2026-02-19.

Conditions:
Nephronophthisis. Also called: Juvenile Nephronophthisis. Identifiers: Orphanet 655, MedGen C0687120, MONDO:0019005, HP:0000090.
IQCB1-related disorder. Also called: IQCB1-related condition.

Allele frequency attached by ClinVar (database versions not stated): gnomAD exomes below 0.00001.
gnomAD v4.1: 3 of 1,573,660 alleles (0.00019%); highest among the groups gnomAD compares: Non-Finnish European, 0.00026%; no homozygotes.

Submissions (2):

PreventionGenetics, part of Exact Sciences
Classification: Likely benign for IQCB1-related condition. Last evaluated: 2026-02-19. Review status: criteria provided, single submitter. Criteria: ACMG Guidelines, 2015. Collection method: clinical testing. Allele origin: germline.
Comment: This variant is classified as likely benign based on ACMG/AMP sequence variant interpretation guidelines (Richards et al. 2015 PMID: 25741868, with internal and published modifications).

Labcorp Genetics (formerly Invitae), Labcorp
Classification: Likely benign for Nephronophthisis. Last evaluated: 2022-04-21. Review status: criteria provided, single submitter. Criteria: Invitae Variant Classification Sherloc (09022015). Collection method: clinical testing. Allele origin: germline.